The following is an entry in ClinVar:

ClinVar aggregate classification (germline): Uncertain significance (1 of 4 stars; one submission).

Allele frequency attached by ClinVar (database versions not stated): TOPMed below 0.00001; gnomAD 0.00001; gnomAD exomes 0.00002; ExAC 0.00003.
gnomAD v4.1: 28 of 1,614,056 alleles (0.0017%); highest among the groups gnomAD compares: South Asian, 0.019%; no homozygotes.

Submission:

Labcorp Genetics (formerly Invitae), Labcorp
Classification: Uncertain significance. Last evaluated: 2022-06-27. Review status: criteria provided, single submitter. Criteria: Invitae Variant Classification Sherloc (09022015). Collection method: clinical testing. Allele origin: germline.
Comment: In summary, the available evidence is currently insufficient to determine the role of this variant in disease. Therefore, it has been classified as a Variant of Uncertain Significance. Algorithms developed to predict the effect of sequence changes on RNA splicing suggest that this variant may create or strengthen a splice site. Algorithms developed to predict the effect of missense changes on protein structure and function output the following: SIFT: "Tolerated"; PolyPhen-2: "Benign"; Align-GVGD: "Class C0". The arginine amino acid residue is found in multiple mammalian species, which suggests that this missense change does not adversely affect protein function. This variant has not been reported in the literature in individuals affected with MMP14-related conditions. This variant is present in population databases (rs753203880, gnomAD 0.01%). This sequence change replaces histidine, which is basic and polar, with arginine, which is basic and polar, at codon 171 of the MMP14 protein (p.His171Arg).

NM_004995.4(MMP14):c.512A>G (p.His171Arg)

Gene: MMP14 (matrix metallopeptidase 14; plus strand). Cytogenetic location: 14q11.2.
Variant type: single nucleotide variant.
Coding change: c.512A>G on transcript NM_004995.4 (MANE Select); coding-DNA position 512, A replaced by G.
Protein change: p.His171Arg; replaces histidine 171 with arginine.
Molecular consequence: missense variant.
Genome position (GRCh38, 1-based): chr14:22,842,541, A>G. VCF-style: chr14-22842541-A-G. GRCh37 (hg19) VCF-style: chr14-23311750-A-G.
Other names: short protein forms H171R.
Identifiers: ClinVar variation 1401431 (VCV001401431.8), dbSNP rs753203880, ClinGen allele CA7105194.
Genomic context (GRCh38, chr14:22,842,541, plus strand): 5'-GGGAGAGTGCCACACCACTGCGCTTCCGCGAGGTGCCCTATGCCTACATCCGTGAGGGCC[A>G]TGAGAAGCAGGCCGACATCATGATCTTCTTTGCCGAGGGCTTCCATGGCGACAGCACGCC-3'
Protein context (NP_004986.1, residues 161-181): EVPYAYIREG[His171Arg]EKQADIMIFF